The following is an entry in ClinVar:

NM_007194.4(CHEK2):c.532G>A (p.Gly178Arg)

Gene: CHEK2 (checkpoint kinase 2; minus strand). Cytogenetic location: 22q12.1.
Variant type: single nucleotide variant.
Coding change: c.532G>A on transcript NM_007194.4 (MANE Select); coding-DNA position 532, G replaced by A.
Protein change: p.Gly178Arg; replaces glycine 178 with arginine.
Molecular consequence: missense variant. On other transcripts: 5 prime UTR variant (2), intron variant (1).
Genome position (GRCh38, 1-based): chr22:28,725,037, C>T on the plus strand (G>A on the coding strand, the complement: CHEK2 is on the minus strand). VCF-style: chr22-28725037-C-T. GRCh37 (hg19) VCF-style: chr22-29121025-C-T.
Other names: c.661G>A, p.Gly221Arg (NM_001005735.3, NM_001438294.1); c.-246G>A (NM_001257387.3); c.-132G>A (NM_001437942.1); c.625G>A, p.Gly209Arg (NM_001438293.1, NM_001438295.1); c.532G>A, p.Gly178Arg (NM_145862.3); c.445-114G>A (NM_001349956.3); short protein forms G178R, G221R, G209R.
Identifiers: ClinVar variation 1352000 (VCV001352000.10), dbSNP rs1457055483, ClinGen allele CA411107259.

ClinVar aggregate classification (germline): Uncertain significance. Review status: criteria provided, multiple submitters, no conflicts (2 of 4 stars). 2 submissions from 2 submitters: Uncertain significance (2). Last evaluated 2024-12-19.

Conditions:
Hereditary cancer-predisposing syndrome. Also called: Neoplastic Syndromes, Hereditary; Tumor predisposition; Hereditary neoplastic syndrome; Hereditary Cancer Syndrome. Identifiers: Orphanet 140162, MedGen C0027672, MeSH D009386, MONDO:0015356.
Familial cancer of breast. Also called: hereditary breast carcinoma; Hereditary breast cancer; BREAST CANCER, FAMILIAL. Identifiers: Orphanet 227535, MedGen C0346153, MONDO:0016419, OMIM 114480. Disease mechanism: loss of function.

Submissions (2):

Ambry Genetics
Classification: Uncertain significance for Hereditary cancer-predisposing syndrome. Last evaluated: 2024-12-19. Review status: criteria provided, single submitter. Criteria: Ambry Variant Classification Scheme 2023. Collection method: clinical testing. Allele origin: germline.
Comment: The p.G178R variant (also known as c.532G>A), located in coding exon 3 of the CHEK2 gene, results from a G to A substitution at nucleotide position 532. The glycine at codon 178 is replaced by arginine, an amino acid with dissimilar properties. This amino acid position is well conserved in available vertebrate species. In addition, the in silico prediction for this alteration is inconclusive. Based on the available evidence, the clinical significance of this variant remains unclear.

Labcorp Genetics (formerly Invitae), Labcorp
Classification: Uncertain significance for Familial cancer of breast. Last evaluated: 2021-05-17. Review status: criteria provided, single submitter. Criteria: Invitae Variant Classification Sherloc (09022015). Collection method: clinical testing. Allele origin: germline.
Comment: This variant has not been reported in the literature in individuals with CHEK2-related conditions. In summary, the available evidence is currently insufficient to determine the role of this variant in disease. Therefore, it has been classified as a Variant of Uncertain Significance. Algorithms developed to predict the effect of missense changes on protein structure and function are either unavailable or do not agree on the potential impact of this missense change (SIFT: "Deleterious"; PolyPhen-2: "Probably Damaging"; Align-GVGD: "Class C15"). This variant is not present in population databases (ExAC no frequency). This sequence change replaces glycine with arginine at codon 178 of the CHEK2 protein (p.Gly178Arg). The glycine residue is highly conserved and there is a moderate physicochemical difference between glycine and arginine.